The following is an entry in ClinVar:

NM_001267550.2(TTN):c.95981G>A (p.Ser31994Asn)

Genes: TTN (titin; minus strand), TTN-AS1 (TTN antisense RNA 1; plus strand). Cytogenetic location: 2q31.2.
Variant type: single nucleotide variant.
Coding change: c.95981G>A on transcript NM_001267550.2 (MANE Select); coding-DNA position 95981, G replaced by A.
Protein change: p.Ser31994Asn; replaces serine 31994 with asparagine.
Molecular consequence: missense variant.
Genome position (GRCh38, 1-based): chr2:178,544,248, C>T on the plus strand (G>A on the coding strand, the complement: TTN is on the minus strand). VCF-style: chr2-178544248-C-T. GRCh37 (hg19) VCF-style: chr2-179408975-C-T.
Other names: c.91058G>A, p.Ser30353Asn (NM_001256850.1); c.68786G>A, p.Ser22929Asn (NM_003319.4); c.88277G>A, p.Ser29426Asn (NM_133378.4); c.69161G>A, p.Ser23054Asn (NM_133432.3); c.69362G>A, p.Ser23121Asn (NM_133437.4); short protein forms S22929N, S23054N, S23121N, S29426N, S30353N, S31994N.
Identifiers: ClinVar variation 3026700 (VCV003026700.22), dbSNP rs1317294203, ClinGen allele CA349455370.
Genomic context (GRCh38, chr2:178,544,248, plus strand): 5'-CTGTGATAAATACCTATTCTTTCCACGGGCTCAATTTCAGCAATTGATTCGCTGTATTCG[C>T]TCATACCCTTCACGTTCACGGCAGCAACTCTGAAGGAATATTTCTGGCCCATTTTAAGGT-3'
Protein context (NP_001254479.2, residues 31984-32004): RVAAVNVKGM[Ser31994Asn]EYSESIAEIE

ClinVar aggregate classification (germline): Uncertain significance (1 of 4 stars; one submission).

Allele frequency attached by ClinVar (database versions not stated): TOPMed below 0.00001; gnomAD 0.00001.
gnomAD v4.1: 1 of 1,613,676 alleles (0.000062%); highest among the groups gnomAD compares: African/African-American, 0.0013%; no homozygotes.

Submission:

CeGaT Center for Human Genetics Tuebingen
Classification: Uncertain significance. Last evaluated: 2023-12-01. Review status: criteria provided, single submitter. Criteria: CeGaT Center For Human Genetics Tuebingen Variant Classification Criteria Version 2. Collection method: clinical testing. Allele origin: germline. Affected: yes. Observed: 1 variant allele.
Comment: TTN: PM2